The following is an entry in ClinVar:

ClinVar aggregate classification (germline): Uncertain significance. Review status: criteria provided, multiple submitters, no conflicts (2 of 4 stars). 2 submissions from 2 submitters: Uncertain significance (2). Last evaluated 2025-12-10.

Conditions:
Inborn genetic diseases. Identifiers: MedGen C0950123, MeSH D030342.

Allele frequency attached by ClinVar (database versions not stated): gnomAD exomes below 0.00001.
gnomAD v4.1: 1 of 1,614,222 alleles (0.000062%); highest among the groups gnomAD compares: Admixed American, 0.0017%; no homozygotes.

Submissions (2):

Ambry Genetics
Classification: Uncertain significance for Inborn genetic diseases. Last evaluated: 2025-12-10. Review status: criteria provided, single submitter. Criteria: Ambry Variant Classification Scheme 2023. Collection method: clinical testing. Allele origin: germline.

Labcorp Genetics (formerly Invitae), Labcorp
Classification: Uncertain significance. Last evaluated: 2021-08-26. Review status: criteria provided, single submitter. Criteria: Invitae Variant Classification Sherloc (09022015). Collection method: clinical testing. Allele origin: germline.
Comment: This sequence change replaces valine with isoleucine at codon 138 of the EIF2B5 protein (p.Val138Ile). The valine residue is moderately conserved and there is a small physicochemical difference between valine and isoleucine. This variant is not present in population databases (ExAC no frequency). This variant has not been reported in the literature in individuals affected with EIF2B5-related conditions. Algorithms developed to predict the effect of missense changes on protein structure and function (SIFT, PolyPhen-2, Align-GVGD) all suggest that this variant is likely to be tolerated. In summary, the available evidence is currently insufficient to determine the role of this variant in disease. Therefore, it has been classified as a Variant of Uncertain Significance.

NM_003907.3(EIF2B5):c.412G>A (p.Val138Ile)

Gene: EIF2B5 (eukaryotic translation initiation factor 2B subunit epsilon; plus strand). Cytogenetic location: 3q27.1.
Variant type: single nucleotide variant.
Coding change: c.412G>A on transcript NM_003907.3 (MANE Select); coding-DNA position 412, G replaced by A.
Protein change: p.Val138Ile; replaces valine 138 with isoleucine.
Molecular consequence: missense variant.
Genome position (GRCh38, 1-based): chr3:184,137,711, G>A. VCF-style: chr3-184137711-G-A. GRCh37 (hg19) VCF-style: chr3-183855499-G-A.
Other names: c.412G>A (NM_003907.2); short protein forms V138I.
Identifiers: ClinVar variation 1440387 (VCV001440387.6), dbSNP rs1393683991, ClinGen allele CA355381902.